The following is an entry in ClinVar:

ClinVar aggregate classification (germline): Pathogenic/Likely pathogenic. Review status: criteria provided, multiple submitters, no conflicts (2 of 4 stars). 6 submissions from 6 submitters: Pathogenic (2); Likely pathogenic (3). 1 of the submissions does not count toward it. Last evaluated 2026-08-06.

Conditions:
Pyridoxine-dependent epilepsy (EPEO4). Also called: PYRIDOXINE DEPENDENCY WITH SEIZURES; Pyridoxine-Dependent Seizures; EPILEPSY, EARLY-ONSET, 4, VITAMIN B6-DEPENDENT; Pyridoxine-Dependent Epilepsy - ALDH7A1. Identifiers: Orphanet 3006, MedGen C1849508, MONDO:0009945, OMIM 266100. Disease mechanism: loss of function.

Allele frequency attached by ClinVar (database versions not stated): gnomAD 0.00001; gnomAD exomes 0.00001 and below 0.00001; ExAC 0.00001.
gnomAD v4.1: 5 of 1,612,014 alleles (0.00031%); highest among the groups gnomAD compares: Non-Finnish European, 0.00034%; no homozygotes.

Submissions (7):

OLLIN Analises Genomicas, OLLIN
Classification: Likely pathogenic. Last evaluated: 2026-08-06. Review status: criteria provided, single submitter. Criteria: ACMG Guidelines 2015 PMID 25741868. Collection method: clinical testing. Allele origin: germline.
Comment: This variant, located at the canonical splicing site (splice donor), has been reported in ClinVar (accession VCV000449124.18) and in gnomAD with an allele frequency of 0.00031%. However, to our knowledge, it has not been reported in the scientific literature. This variant is predicted to disrupt a canonical splice site, potentially leading to exon skipping, mRNA degradation via nonsense-mediated decay (NMD), or production of a truncated protein. According to the currently available evidence, this variant has been classified as likely pathogenic (PVS1, PM2_P).

Labcorp Genetics (formerly Invitae), Labcorp
Classification: Pathogenic for Pyridoxine-dependent epilepsy. Last evaluated: 2025-12-22. Review status: criteria provided, single submitter. Criteria: Invitae Variant Classification Sherloc (09022015). Collection method: clinical testing. Allele origin: germline.
Comment: This sequence change affects a donor splice site in intron 2 of the ALDH7A1 gene. It is expected to disrupt RNA splicing. Variants that disrupt the donor or acceptor splice site typically lead to a loss of protein function (PMID: 16199547), and loss-of-function variants in ALDH7A1 are known to be pathogenic (PMID: 16491085, 20554659). This variant is present in population databases (rs764588746, gnomAD 0.0009%). Disruption of this splice site has been observed in individual(s) with pyridoxine-dependent epilepsy (PMID: 20814824; internal data). In at least one individual the data is consistent with being in trans (on the opposite chromosome) from a pathogenic variant. ClinVar contains an entry for this variant (Variation ID: 449124). Algorithms developed to predict the effect of sequence changes on RNA splicing suggest that this variant may disrupt the consensus splice site. For these reasons, this variant has been classified as Pathogenic.

GeneDx
Classification: Likely pathogenic. Last evaluated: 2024-08-21. Review status: criteria provided, single submitter. Criteria: GeneDx Variant Classification Process June 2021. Collection method: clinical testing. Allele origin: germline. Affected: yes.
Comment: Canonical splice site variant predicted to result in an in-frame loss of the adjacent exon in a gene for which loss of function is a known mechanism of disease; Not observed at significant frequency in large population cohorts (gnomAD); This variant is associated with the following publications: (PMID: 31589614, 25525159, 20814824)

Fulgent Genetics
Classification: Pathogenic for Pyridoxine-dependent epilepsy. Last evaluated: 2024-01-02. Review status: criteria provided, single submitter. Criteria: ACMG Guidelines, 2015. Collection method: clinical testing. Allele origin: germline.

Genome-Nilou Lab
Classification: Likely pathogenic for Pyridoxine-dependent epilepsy. Last evaluated: 2023-04-11. Review status: criteria provided, single submitter. Criteria: ACMG Guidelines, 2015. Collection method: clinical testing. Allele origin: germline. Affected: no.

Center of Excellence for Medical Genomics, Chulalongkorn University
Classification: Pathogenic for Pyridoxine-dependent epilepsy. Last evaluated: 2002-09-08. Review status: no assertion criteria provided. Collection method: research. Allele origin: paternal. Affected: yes. Not counted in ClinVar's aggregate classification.

Dr. Peter K. Rogan Lab, Western University
No classification provided (evidence only). Condition: Melanoma. Review status: no classification provided. Collection method: in vitro. Allele origin: not applicable. Functional consequence: skipped exon. Not counted in ClinVar's aggregate classification.

Literature cited by the submitters: PubMed 16199547 (cited by Labcorp Genetics (formerly Invitae), Labcorp); PubMed 16491085 (cited by Labcorp Genetics (formerly Invitae), Labcorp); PubMed 20554659 (cited by Labcorp Genetics (formerly Invitae), Labcorp); PubMed 20814824 (cited by Labcorp Genetics (formerly Invitae), Labcorp).

NM_001182.5(ALDH7A1):c.246+1G>A

Gene: ALDH7A1 (aldehyde dehydrogenase 7 family member A1; minus strand). Cytogenetic location: 5q23.2.
Variant type: single nucleotide variant.
Coding change: c.246+1G>A on transcript NM_001182.5 (MANE Select); the canonical splice donor site of the intron after coding-DNA position 246, G replaced by A.
Molecular consequence: splice donor variant.
Genome position (GRCh38, 1-based): chr5:126,593,350, C>T on the plus strand (G>A on the coding strand, the complement: ALDH7A1 is on the minus strand). VCF-style: chr5-126593350-C-T. GRCh37 (hg19) VCF-style: chr5-125929042-C-T.
Other names: c.162+1G>A (NM_001201377.2); c.246+1G>A (NM_001202404.2).
Identifiers: ClinVar variation 449124 (VCV000449124.19), dbSNP rs764588746, ClinGen allele CA3389857.